The following is an entry in ClinVar:

NM_024649.5(BBS1):c.816C>G (p.Ile272Met)

Genes: BBS1 (Bardet-Biedl syndrome 1; plus strand), ZDHHC24 (zDHHC palmitoyltransferase 24; minus strand). Cytogenetic location: 11q13.2.
Variant type: single nucleotide variant.
Coding change: c.816C>G on transcript NM_024649.5 (MANE Select); coding-DNA position 816, C replaced by G.
Protein change: p.Ile272Met; replaces isoleucine 272 with methionine.
Molecular consequence: missense variant. On other transcripts: 3 prime UTR variant (1).
Genome position (GRCh38, 1-based): chr11:66,521,362, C>G. VCF-style: chr11-66521362-C-G. GRCh37 (hg19) VCF-style: chr11-66288833-C-G.
Other names: NC_000011.9:g.66288833C>G; c.*126G>C (NM_001348571.2); short protein forms I272M.
Identifiers: ClinVar variation 3344441 (VCV003344441.2).

ClinVar aggregate classification (germline): Uncertain significance (0 of 4 stars; one submission).

Conditions:
BBS1-related disorder. Also called: BBS1-related condition.

Submissions (2):

PreventionGenetics, part of Exact Sciences
Classification: Uncertain significance for BBS1-related condition. Last evaluated: 2024-05-14. Review status: no assertion criteria provided. Collection method: clinical testing. Allele origin: germline.
Comment: The BBS1 c.816C>G variant is predicted to result in the amino acid substitution p.Ile272Met. To our knowledge, this variant has not been reported in the literature or in a large population database, indicating this variant is rare. At this time, the clinical significance of this variant is uncertain due to the absence of conclusive functional and genetic evidence.

Dr. Peter K. Rogan Lab, Western University
No classification provided (evidence only). Condition: Malignant tumor of urinary bladder. Review status: no classification provided. Collection method: in vitro. Allele origin: not applicable. Functional consequence: retained intron. Not counted in ClinVar's aggregate classification.